The following is an entry in ClinVar:

ClinVar aggregate classification (germline): Uncertain significance (1 of 4 stars; one submission).

Submission:

GeneDx
Classification: Uncertain significance. Last evaluated: 2025-05-19. Review status: criteria provided, single submitter. Criteria: GeneDx Variant Classification Process June 2021. Collection method: clinical testing. Allele origin: germline. Affected: yes.
Comment: Not observed at significant frequency in large population cohorts (gnomAD); In silico analysis suggests that this missense variant does not alter protein structure/function; Has not been previously published as pathogenic or benign to our knowledge

NM_207122.2(EXT2):c.939G>T (p.Gln313His)

Gene: EXT2 (exostosin glycosyltransferase 2; plus strand). Cytogenetic location: 11p11.2.
Variant type: single nucleotide variant.
Coding change: c.939G>T on transcript NM_207122.2 (MANE Select); coding-DNA position 939, G replaced by T.
Protein change: p.Gln313His; replaces glutamine 313 with histidine.
Molecular consequence: missense variant.
Genome position (GRCh38, 1-based): chr11:44,124,984, G>T. VCF-style: chr11-44124984-G-T. GRCh37 (hg19) VCF-style: chr11-44146534-G-T.
Other names: c.1038G>T, p.Gln346His (NM_000401.3); c.939G>T, p.Gln313His (NM_001178083.3, NM_001389628.1, NM_001389630.1); short protein forms Q313H, Q346H.
Identifiers: ClinVar variation 4531057 (VCV004531057.1).